The following is an entry in ClinVar:

NM_001170629.2(CHD8):c.5053G>A (p.Val1685Ile)

Gene: CHD8 (chromodomain helicase DNA binding protein 8; minus strand). Cytogenetic location: 14q11.2.
Variant type: single nucleotide variant.
Coding change: c.5053G>A on transcript NM_001170629.2 (MANE Select); coding-DNA position 5053, G replaced by A.
Protein change: p.Val1685Ile; replaces valine 1685 with isoleucine.
Molecular consequence: missense variant.
Genome position (GRCh38, 1-based): chr14:21,395,891, C>T on the plus strand (G>A on the coding strand, the complement: CHD8 is on the minus strand). VCF-style: chr14-21395891-C-T. GRCh37 (hg19) VCF-style: chr14-21864050-C-T.
Other names: c.4216G>A, p.Val1406Ile (NM_020920.4); short protein forms V1685I, V1406I.
Identifiers: ClinVar variation 1969311 (VCV001969311.5), dbSNP rs1185682792, ClinGen allele CA388885196.
Genomic context (GRCh38, chr14:21,395,891, plus strand): 5'-CCTTTGGGGGACCTTGGAGTGGTTTATATTCAGGATCTTCACAATCTTTATCAAAGTCAA[C>T]CCTAAAATTATGGAGAGGCACAAGAAAATGTTAATAATGTATCTTCTATCACTAAGGGAA-3'
Protein context (NP_001164100.1, residues 1675-1695): LDNFSDIVEG[Val1685Ile]DFDKDCEDPE

ClinVar aggregate classification (germline): Uncertain significance (1 of 4 stars; one submission).

Allele frequency attached by ClinVar (database versions not stated): gnomAD exomes below 0.00001; TOPMed below 0.00001; gnomAD 0.00001.
gnomAD v4.1: 3 of 1,607,276 alleles (0.00019%); highest among the groups gnomAD compares: East Asian, 0.0045%; no homozygotes.

Submission:

Labcorp Genetics (formerly Invitae), Labcorp
Classification: Uncertain significance. Last evaluated: 2022-05-05. Review status: criteria provided, single submitter. Criteria: Invitae Variant Classification Sherloc (09022015). Collection method: clinical testing. Allele origin: germline.
Comment: In summary, the available evidence is currently insufficient to determine the role of this variant in disease. Therefore, it has been classified as a Variant of Uncertain Significance. Algorithms developed to predict the effect of missense changes on protein structure and function output the following: SIFT: "Tolerated"; PolyPhen-2: "Benign"; Align-GVGD: "Class C0". The isoleucine amino acid residue is found in multiple mammalian species, which suggests that this missense change does not adversely affect protein function. This variant has not been reported in the literature in individuals affected with CHD8-related conditions. This variant is present in population databases (no rsID available, gnomAD 0.003%). This sequence change replaces valine, which is neutral and non-polar, with isoleucine, which is neutral and non-polar, at codon 1685 of the CHD8 protein (p.Val1685Ile).